The following is an entry in ClinVar:

ClinVar aggregate classification (germline): Pathogenic/Likely pathogenic. Review status: criteria provided, multiple submitters, no conflicts (2 of 4 stars). 2 submissions from 2 submitters: Pathogenic (1); Likely pathogenic (1). Last evaluated 2024-02-05.

Conditions:
Immunodeficiency, common variable, 1. Also called: ANTIBODY DEFICIENCY DUE TO ICOS DEFECT. Identifiers: Orphanet 1572, Orphanet 695183, MedGen C3149378, MONDO:0011864, OMIM 607594.
ICOS-related disorders.

Submissions (2):

Labcorp Genetics (formerly Invitae), Labcorp
Classification: Pathogenic for Immunodeficiency, common variable, 1. Last evaluated: 2024-02-05. Review status: criteria provided, single submitter. Criteria: Invitae Variant Classification Sherloc (09022015). Collection method: clinical testing. Allele origin: germline.
Comment: This sequence change creates a premature translational stop signal (p.Leu99Trpfs*23) in the ICOS gene. It is expected to result in an absent or disrupted protein product. Loss-of-function variants in ICOS are known to be pathogenic (PMID: 11343122, 12577056, 19380800). This variant is not present in population databases (gnomAD no frequency). This variant has not been reported in the literature in individuals affected with ICOS-related conditions. For these reasons, this variant has been classified as Pathogenic.

Blueprint Genetics
Classification: Likely pathogenic for ICOS-related disorders. Last evaluated: 2020-03-13. Review status: criteria provided, single submitter. Criteria: ACMG Guidelines, 2015. Collection method: clinical testing. Allele origin: germline. Affected: yes. Observed: 1 variant allele.

Literature cited by the submitters: PubMed 11343122 (cited by Labcorp Genetics (formerly Invitae), Labcorp); PubMed 12577056 (cited by Labcorp Genetics (formerly Invitae), Labcorp); PubMed 19380800 (cited by Labcorp Genetics (formerly Invitae), Labcorp).

NM_012092.4(ICOS):c.294del (p.Leu99fs)

Gene: ICOS (inducible T cell costimulator; plus strand). Cytogenetic location: 2q33.2.
Variant type: Deletion.
Coding change: c.294del on transcript NM_012092.4 (MANE Select); coding-DNA position 294, one base deleted (C; older notation c.294delC).
Protein change: p.Leu99fs; shifts the reading frame from leucine 99.
Molecular consequence: frameshift variant.
Genome position (GRCh38, 1-based): chr2:203,955,871, C deleted. VCF-style (leftmost placement, unchanged base first): chr2-203955870-AC-A. GRCh37 (hg19) VCF-style: chr2-204820593-AC-A.
Other names: short protein forms L99fs.
Identifiers: ClinVar variation 2872742 (VCV002872742.4), dbSNP rs2469807349, ClinGen allele CA2577220202.
Genomic context (GRCh38, chr2:203,955,870, plus strand): 5'-AGAGTCTGAAATTCTGCCATTCTCAGTTATCCAACAACAGTGTCTCTTTTTTTCTATACA[AC>A]TTGGACCATTCTCATGCCAACTATTACTTCTGCAACCTATCAATTTTTGATCCTCCTCCT-3'